The following is an entry in ClinVar:

NM_022041.4(GAN):c.283A>C (p.Ile95Leu)

Gene: GAN (gigaxonin; plus strand). Cytogenetic location: 16q23.2.
Variant type: single nucleotide variant.
Coding change: c.283A>C on transcript NM_022041.4 (MANE Select); coding-DNA position 283, A replaced by C.
Protein change: p.Ile95Leu; replaces isoleucine 95 with leucine.
Molecular consequence: missense variant. On other transcripts: 5 prime UTR variant (1).
Genome position (GRCh38, 1-based): chr16:81,354,405, A>C. VCF-style: chr16-81354405-A-C. GRCh37 (hg19) VCF-style: chr16-81388010-A-C.
Other names: c.-357A>C (NM_001377486.1); short protein forms I95L.
Identifiers: ClinVar variation 4799434 (VCV004799434.1).

ClinVar aggregate classification (germline): Uncertain significance (1 of 4 stars; one submission).

Conditions:
Giant axonal neuropathy 1 (GAN1). Also called: GAN-Related Neurodegeneration; GIANT AXONAL NEUROPATHY 1, AUTOSOMAL RECESSIVE. Identifiers: Orphanet 643, MedGen C1850386, MONDO:0009749, OMIM 256850.

Submission:

Labcorp Genetics (formerly Invitae), Labcorp
Classification: Uncertain significance for Giant axonal neuropathy 1. Last evaluated: 2026-01-27. Review status: criteria provided, single submitter. Criteria: Invitae Variant Classification Sherloc (09022015). Collection method: clinical testing. Allele origin: germline.
Comment: This sequence change replaces isoleucine, which is neutral and non-polar, with leucine, which is neutral and non-polar, at codon 95 of the GAN protein (p.Ile95Leu). This variant is not present in population databases (gnomAD no frequency). This variant has not been reported in the literature in individuals affected with GAN-related conditions. An algorithm developed to predict the effect of missense changes on protein structure and function (PolyPhen-2) suggests that this variant is likely to be disruptive. In summary, the available evidence is currently insufficient to determine the role of this variant in disease. Therefore, it has been classified as a Variant of Uncertain Significance.